The following is an entry in ClinVar:

Conditions:
Long QT syndrome 5 (LQT5). Identifiers: Orphanet 101016, Orphanet 768, MedGen C1867904, MONDO:0013372, OMIM 613695.

Submission:

Roden Lab, Vanderbilt University Medical Center
No classification provided (evidence only). Condition: Long QT syndrome 5. Review status: no classification provided. Collection method: in vitro. Allele origin: not applicable. Functional consequence: Effect on ion channel function.
ClinVar note: "not provided" was previously submitted as the classification for the variant. However, the classification appeared to be based only on an observation of functional data so it was converted to no classification on 2025-07-30.

NM_000219.6(KCNE1):c.375G>T (p.Thr125=)

Gene: KCNE1 (potassium voltage-gated channel subfamily E regulatory subunit 1; minus strand). Cytogenetic location: 21q22.12.
Variant type: single nucleotide variant.
Coding change: c.375G>T on transcript NM_000219.6 (MANE Select); coding-DNA position 375, G replaced by T.
Protein change: p.Thr125=; no amino-acid change (threonine 125 retained).
Molecular consequence: synonymous variant.
Genome position (GRCh38, 1-based): chr21:34,449,260, C>A on the plus strand (G>T on the coding strand, the complement: KCNE1 is on the minus strand). VCF-style: chr21-34449260-C-A. GRCh37 (hg19) VCF-style: chr21-35821558-C-A.
Other names: c.375G>T, p.Thr125= (NM_001127668.4, NM_001127669.4, NM_001127670.4 and 4 more transcripts).
Identifiers: ClinVar variation 3373856 (VCV003373856.2).